The following is an entry in ClinVar:

ClinVar aggregate classification (germline): Uncertain significance. Review status: criteria provided, multiple submitters, no conflicts (2 of 4 stars). 3 submissions from 3 submitters: Uncertain significance (3). Last evaluated 2026-02-04.

Conditions:
Hereditary breast ovarian cancer syndrome. Also called: Hereditary breast and/or ovarian cancer syndrome; Hereditary breast and ovarian cancer syndrome; Breast and ovarian cancer; BRCA1- and BRCA2-Associated Hereditary Breast and Ovarian Cancer; Hereditary breast and ovarian cancer; Hereditary breast and ovarian cancer syndrome (HBOC). Identifiers: Orphanet 145, MedGen C0677776, MeSH D061325, MONDO:0003582. Disease mechanism: loss of function.
Hereditary cancer-predisposing syndrome. Also called: Hereditary Cancer Syndrome; Tumor predisposition; Neoplastic Syndromes, Hereditary; Hereditary neoplastic syndrome. Identifiers: Orphanet 140162, MedGen C0027672, MeSH D009386, MONDO:0015356.

Submissions (3):

Ambry Genetics
Classification: Uncertain significance for Hereditary cancer-predisposing syndrome. Last evaluated: 2026-02-04. Review status: criteria provided, single submitter. Criteria: Ambry Variant Classification Scheme 2023. Collection method: clinical testing. Allele origin: germline.
Comment: The c.682-5T>G intronic variant results from a T to G substitution 5 nucleotides upstream from coding exon 8 in the BRCA2 gene. This nucleotide position is highly conserved in available vertebrate species. In silico splice site analysis predicts that this alteration will not have any significant effect on splicing. Based on the available evidence, the clinical significance of this variant remains unclear.

Women's Health and Genetics/Laboratory Corporation of America, LabCorp
Classification: Uncertain significance. Last evaluated: 2024-05-01. Review status: criteria provided, single submitter. Criteria: LabCorp Variant Classification Summary - May 2015. Collection method: clinical testing. Allele origin: germline.

Labcorp Genetics (formerly Invitae), Labcorp
Classification: Uncertain significance for Hereditary breast ovarian cancer syndrome. Last evaluated: 2023-06-16. Review status: criteria provided, single submitter. Criteria: Invitae Variant Classification Sherloc (09022015). Collection method: clinical testing. Allele origin: germline.
Comment: This variant is not present in population databases (gnomAD no frequency). In summary, the available evidence is currently insufficient to determine the role of this variant in disease. Therefore, it has been classified as a Variant of Uncertain Significance. Algorithms developed to predict the effect of sequence changes on RNA splicing suggest that this variant may create or strengthen a splice site. ClinVar contains an entry for this variant (Variation ID: 826645). This variant has not been reported in the literature in individuals affected with BRCA2-related conditions. This sequence change falls in intron 8 of the BRCA2 gene. It does not directly change the encoded amino acid sequence of the BRCA2 protein.

NM_000059.4(BRCA2):c.682-5T>G

Gene: BRCA2 (BRCA2 DNA repair associated; plus strand). Cytogenetic location: 13q13.1.
Variant type: single nucleotide variant.
Coding change: c.682-5T>G on transcript NM_000059.4 (MANE Select); 5 bases into the intron before coding-DNA position 682, T replaced by G.
Molecular consequence: intron variant.
Genome position (GRCh38, 1-based): chr13:32,330,914, T>G. VCF-style: chr13-32330914-T-G. GRCh37 (hg19) VCF-style: chr13-32905051-T-G.
Identifiers: ClinVar variation 826645 (VCV000826645.9), dbSNP rs1593890082, ClinGen allele CA915946946.
Genomic context (GRCh38, chr13:32,330,914, plus strand): 5'-GGGACTACTACTATATGTGCATTGAGAGTTTTTATACTAGTGATTTTAAACTATAATTTT[T>G]GCAGAATGTGAAAAGCTATTTTTCCAATCATGATGAAAGTCTGAAGAAAAATGATAGATT-3'